The following is an entry in ClinVar:

NM_004239.4(TRIP11):c.4233A>C (p.Glu1411Asp)

Gene: TRIP11 (thyroid hormone receptor interactor 11; minus strand). Cytogenetic location: 14q32.12.
Variant type: single nucleotide variant.
Coding change: c.4233A>C on transcript NM_004239.4 (MANE Select); coding-DNA position 4233, A replaced by C.
Protein change: p.Glu1411Asp; replaces glutamic acid 1411 with aspartic acid.
Molecular consequence: missense variant.
Genome position (GRCh38, 1-based): chr14:92,003,743, T>G on the plus strand (A>C on the coding strand, the complement: TRIP11 is on the minus strand). VCF-style: chr14-92003743-T-G. GRCh37 (hg19) VCF-style: chr14-92470087-T-G.
Other names: p.Glu1411Asp; c.4230A>C, p.Glu1410Asp (NM_001321851.1); short protein forms E1410D, E1411D.
Identifiers: ClinVar variation 4541901 (VCV004541901.1).
Genomic context (GRCh38, chr14:92,003,743, plus strand): 5'-AGTGAAATTTTCATTGGAAGAAAGTAGTTGATCACTTTTGGCTTTGATTAAGAGGTCTTT[T>G]TCCTTAAGTAACTTTTGCAAAACATCTTGTTTCTCCTTTAGCTGCTTGATTTCTGAATCG-3'
Protein context (NP_004230.2, residues 1401-1421): KQDVLQKLLK[Glu1411Asp]KDLLIKAKSD

ClinVar aggregate classification (germline): Uncertain significance (1 of 4 stars; one submission).

gnomAD v4.1: 11 of 1,614,084 alleles (0.00068%); highest among the groups gnomAD compares: South Asian, 0.0088%; no homozygotes.

Submission:

Mayo Clinic Laboratories, Mayo Clinic
Classification: Uncertain significance. Last evaluated: 2025-02-19. Review status: criteria provided, single submitter. Criteria: ACMG Guidelines, 2015. Collection method: clinical testing. Allele origin: germline. Observed: 1 variant allele.
Comment: BP4, PM2_supporting